The following is an entry in ClinVar:

NM_004408.4(DNM1):c.2171G>A (p.Arg724Gln)

Gene: DNM1 (dynamin 1; plus strand). Cytogenetic location: 9q34.11.
Variant type: single nucleotide variant.
Coding change: c.2171G>A on transcript NM_004408.4 (MANE Select); coding-DNA position 2171, G replaced by A.
Protein change: p.Arg724Gln; replaces arginine 724 with glutamine.
Molecular consequence: missense variant.
Genome position (GRCh38, 1-based): chr9:128,250,209, G>A. VCF-style: chr9-128250209-G-A. GRCh37 (hg19) VCF-style: chr9-131012488-G-A.
Other names: c.2171G>A, p.Arg724Gln (NM_001005336.3, NM_001288737.2, NM_001288738.2 and 2 more transcripts); short protein forms R724Q.
Identifiers: ClinVar variation 847592 (VCV000847592.10), dbSNP rs1829428293, ClinGen allele CA375000841.

ClinVar aggregate classification (germline): Uncertain significance (1 of 4 stars; one submission).

Conditions:
Developmental and epileptic encephalopathy, 31A. Also called: Epileptic encephalopathy, early infantile, 31; Developmental and epileptic encephalopathy, 31. Identifiers: Orphanet 2382, MedGen C4225357, MONDO:0014598, OMIM 616346.

Submission:

Labcorp Genetics (formerly Invitae), Labcorp
Classification: Uncertain significance for Developmental and epileptic encephalopathy, 31A. Last evaluated: 2022-06-29. Review status: criteria provided, single submitter. Criteria: Invitae Variant Classification Sherloc (09022015). Collection method: clinical testing. Allele origin: germline.
Comment: This sequence change replaces arginine, which is basic and polar, with glutamine, which is neutral and polar, at codon 724 of the DNM1 protein (p.Arg724Gln). In summary, the available evidence is currently insufficient to determine the role of this variant in disease. Therefore, it has been classified as a Variant of Uncertain Significance. Advanced modeling of protein sequence and biophysical properties (such as structural, functional, and spatial information, amino acid conservation, physicochemical variation, residue mobility, and thermodynamic stability) performed at Invitae indicates that this missense variant is not expected to disrupt DNM1 protein function. ClinVar contains an entry for this variant (Variation ID: 847592). This variant has not been reported in the literature in individuals affected with DNM1-related conditions. This variant is not present in population databases (gnomAD no frequency).